The following is an entry in ClinVar:

ClinVar aggregate classification (germline): Likely benign. Review status: criteria provided, multiple submitters, no conflicts (2 of 4 stars). 2 submissions from 2 submitters: Likely benign (2). Last evaluated 2025-05-01.

gnomAD v4.1: 6 of 1,614,060 alleles (0.00037%); highest among the groups gnomAD compares: Middle Eastern, 0.016%; no homozygotes.

Submissions (2):

CeGaT Center for Human Genetics Tuebingen
Classification: Likely benign. Last evaluated: 2025-05-01. Review status: criteria provided, single submitter. Criteria: CeGaT Center For Human Genetics Tuebingen Variant Classification Criteria Version 2. Collection method: clinical testing. Allele origin: germline. Affected: yes. Observed: 1 variant allele.
Comment: ADNP: BP4

Labcorp Genetics (formerly Invitae), Labcorp
Classification: Likely benign. Last evaluated: 2025-02-16. Review status: criteria provided, single submitter. Criteria: Invitae Variant Classification Sherloc (09022015). Collection method: clinical testing. Allele origin: germline.

NM_001282531.3(ADNP):c.2934C>G (p.Ser978=)

Gene: ADNP (activity dependent neuroprotector homeobox; minus strand). Cytogenetic location: 20q13.13.
Variant type: single nucleotide variant.
Coding change: c.2934C>G on transcript NM_001282531.3 (MANE Select); coding-DNA position 2934, C replaced by G.
Protein change: p.Ser978=; no amino-acid change (serine 978 retained).
Molecular consequence: synonymous variant.
Genome position (GRCh38, 1-based): chr20:50,891,780, G>C on the plus strand (C>G on the coding strand, the complement: ADNP is on the minus strand). VCF-style: chr20-50891780-G-C. GRCh37 (hg19) VCF-style: chr20-49508317-G-C.
Other names: c.2934C>G, p.Ser978= (NM_001282532.2, NM_001347511.2, NM_015339.5 and 1 more transcripts).
Identifiers: ClinVar variation 3905058 (VCV003905058.11).